The following is an entry in ClinVar:

ClinVar aggregate classification (germline): Likely benign (1 of 4 stars; one submission).

Allele frequency attached by ClinVar (database versions not stated): gnomAD exomes below 0.00001; TOPMed below 0.00001; gnomAD 0.00001.
gnomAD v4.1: 3 of 1,526,610 alleles (0.0002%); highest among the groups gnomAD compares: Non-Finnish European, 0.00027%; no homozygotes.

Submission:

Laboratory for Molecular Medicine, Mass General Brigham Personalized Medicine
Classification: Likely benign. Last evaluated: 2013-06-28. Review status: criteria provided, single submitter. Criteria: LMM Criteria. Collection method: clinical testing. Allele origin: germline. Observed: 1 variant allele.
Comment: c.2524-14C>T in intron 21 of OTOF: This variant is not expected to have clinical significance because it is not located in the conserved region of the splice co nsensus sequence and is not predicted to alter splicing.

NM_194248.3(OTOF):c.2524-14C>T

Gene: OTOF (otoferlin; minus strand). Cytogenetic location: 2p23.3.
Variant type: single nucleotide variant.
Coding change: c.2524-14C>T on transcript NM_194248.3 (MANE Select); 14 bases into the intron before coding-DNA position 2524, C replaced by T.
Molecular consequence: intron variant.
Genome position (GRCh38, 1-based): chr2:26,477,057, G>A on the plus strand (C>T on the coding strand, the complement: OTOF is on the minus strand). VCF-style: chr2-26477057-G-A. GRCh37 (hg19) VCF-style: chr2-26699925-G-A.
Other names: c.2524-14C>T (NM_001287489.2); c.283-14C>T (NM_194323.3, NM_004802.4); c.454-14C>T (NM_194322.3).
Identifiers: ClinVar variation 164860 (VCV000164860.5), dbSNP rs727503357, ClinGen allele CA177551.